The following is an entry in ClinVar:

ClinVar aggregate classification (germline): Conflicting classifications of pathogenicity. Review status: criteria provided, conflicting classifications (1 of 4 stars). 4 submissions from 4 submitters: Pathogenic (1); Uncertain significance (3). Last evaluated 2025-11-24.

Conditions:
Mitochondrial disease. Also called: Mitochondrial disorder; Mitochondrial disorders. Identifiers: Orphanet 68380, MedGen C0751651, MeSH D028361, MONDO:0044970.

Allele frequency attached by ClinVar (database versions not stated): gnomAD exomes 0.00001; TOPMed 0.00003; gnomAD 0.00004 and 0.00003; ExAC 0.00003; ESP Exome Variant Server 0.00015.
gnomAD v4.1: 14 of 1,613,752 alleles (0.00087%); highest among the groups gnomAD compares: African/African-American, 0.012%; no homozygotes.

Submissions (4):

Genomenon, Inc
Classification: Uncertain significance for Mitochondrial disease. Last evaluated: 2025-11-24. Review status: criteria provided, single submitter. Criteria: Genomenon Sequence Variant Interpretation Standards - Updated. Collection method: curation. Allele origin: germline. Affected: yes.
Comment: TK2 p.Asn93Ser (c.278A>G) is a missense variant that changes the amino acid at residue 93 from Asparagine to Serine. It is also described as N135S in the literature. This variant has been observed in multiple probands affected with mitochondrial disease in the compound heterozygous state (23932787, 35280287). This variant is not present at a significant frequency in gnomAD. In conclusion, we classify TK2 p.Asn93Ser (c.278A>G) as a variant of uncertain significance.

Labcorp Genetics (formerly Invitae), Labcorp
Classification: Pathogenic. Last evaluated: 2025-06-27. Review status: criteria provided, single submitter. Criteria: Invitae Variant Classification Sherloc (09022015). Collection method: clinical testing. Allele origin: germline.
Comment: This sequence change replaces asparagine, which is neutral and polar, with serine, which is neutral and polar, at codon 93 of the TK2 protein (p.Asn93Ser). This variant is present in population databases (rs142291440, gnomAD 0.007%). This missense change has been observed in individual(s) with TK2-related conditions (PMID: 16908738, 35280287). ClinVar contains an entry for this variant (Variation ID: 38983). Invitae Evidence Modeling of protein sequence and biophysical properties (such as structural, functional, and spatial information, amino acid conservation, physicochemical variation, residue mobility, and thermodynamic stability) indicates that this missense variant is expected to disrupt TK2 protein function with a positive predictive value of 95%. For these reasons, this variant has been classified as Pathogenic.

Women's Health and Genetics/Laboratory Corporation of America, LabCorp
Classification: Uncertain significance. Last evaluated: 2023-09-20. Review status: criteria provided, single submitter. Criteria: LabCorp Variant Classification Summary - May 2015. Collection method: clinical testing. Allele origin: germline.
Comment: Variant summary: TK2 c.278A>G (p.Asn93Ser) results in a conservative amino acid change in the encoded protein sequence. Four of five in-silico tools predict a damaging effect of the variant on protein function. The variant allele was found at a frequency of 1.2e-05 in 251488 control chromosomes. c.278A>G has been reported in the literature in at-least two individuals affected with Mitochondrial DNA Depletion Syndrome or childhood-onset mitochondrial myopathy, along with two apparently pathogenic frame-shifting variants, respectively (examples, Oskoui_2006, Manini_2022). These data indicate that the variant may be associated with TK2 Related Mitochondrial DNA Depletion Syndrome. To our knowledge, no experimental evidence demonstrating an impact on protein function has been reported. The following publications have been ascertained in the context of this evaluation (PMID: 35280287, 16908738). Two submitters have cited clinical-significance assessments for this variant to ClinVar after 2014. Both submitters classified the variant as uncertain significance. Based on the evidence outlined above, the variant was classified as VUS-possibly pathogenic.

GeneDx
Classification: Uncertain significance. Last evaluated: 2020-10-14. Review status: criteria provided, single submitter. Criteria: GeneDx Variant Classification Process June 2021. Collection method: clinical testing. Allele origin: germline. Affected: yes.
Comment: Reported in a patient with mitochondrial DNA depletion syndrome who also harbored a frameshift variant in the TK2 gene in published literature (Oskoui et al., 2006), although it is not known whether these variants were present on the same allele (in cis) or on opposite alleles (in trans); Not observed at a significant frequency in large population cohorts (Lek et al., 2016); In silico analysis supports that this missense variant has a deleterious effect on protein structure/function; This variant is associated with the following publications: (PMID: 25215937, 22571666, 23230576, 23932787, 16908738)

Literature cited by the submitters: PubMed 23932787 (cited by Genomenon, Inc); PubMed 35280287 (cited by 3 submitters); PubMed 16908738 (cited by Labcorp Genetics (formerly Invitae), Labcorp and Women's Health and Genetics/Laboratory Corporation of America, LabCorp).

NM_004614.5(TK2):c.278A>G (p.Asn93Ser)

Gene: TK2 (thymidine kinase 2; minus strand). Cytogenetic location: 16q21.
Variant type: single nucleotide variant.
Coding change: c.278A>G on transcript NM_004614.5 (MANE Select); coding-DNA position 278, A replaced by G.
Protein change: p.Asn93Ser; replaces asparagine 93 with serine.
Molecular consequence: missense variant. On other transcripts: 5 prime UTR variant (1), non-coding transcript variant (1), intron variant (1).
Genome position (GRCh38, 1-based): chr16:66,536,971, T>C on the plus strand (A>G on the coding strand, the complement: TK2 is on the minus strand). VCF-style: chr16-66536971-T-C. GRCh37 (hg19) VCF-style: chr16-66570874-T-C.
Other names: c.185A>G, p.Asn62Ser (NM_001172643.1, NM_001271935.1); c.203A>G, p.Asn68Ser (NM_001172644.2); c.131A>G, p.Asn44Ser (NM_001271934.2); c.-14A>G (NM_001272050.2); c.231+4908A>G (NM_001172645.2); short protein forms N93S, N68S, N44S, N62S.
Identifiers: ClinVar variation 38983 (VCV000038983.14), dbSNP rs142291440, ClinGen allele CA343299.